The following is an entry in ClinVar:

ClinVar aggregate classification (germline): Uncertain significance (1 of 4 stars; one submission).

Conditions:
Inborn genetic diseases. Identifiers: MedGen C0950123, MeSH D030342.

Submission:

Ambry Genetics
Classification: Uncertain significance for Inborn genetic diseases. Last evaluated: 2026-05-14. Review status: criteria provided, single submitter. Criteria: Ambry Variant Classification Scheme 2023. Collection method: clinical testing. Allele origin: germline.
Comment: The p.N227S variant (also known as c.680A>G), located in coding exon 5 of the ETV6 gene, results from an A to G substitution at nucleotide position 680. The asparagine at codon 227 is replaced by serine, an amino acid with highly similar properties. This amino acid position is conserved. In addition, this alteration is predicted to be tolerated by in silico analysis. Based on the available evidence, the clinical significance of this variant remains unclear.

NM_001987.5(ETV6):c.680A>G (p.Asn227Ser)

Gene: ETV6 (ETS variant transcription factor 6; plus strand). Cytogenetic location: 12p13.2.
Variant type: single nucleotide variant.
Coding change: c.680A>G on transcript NM_001987.5 (MANE Select); coding-DNA position 680, A replaced by G.
Protein change: p.Asn227Ser; replaces asparagine 227 with serine.
Molecular consequence: missense variant.
Genome position (GRCh38, 1-based): chr12:11,869,640, A>G. VCF-style: chr12-11869640-A-G. GRCh37 (hg19) VCF-style: chr12-12022574-A-G.
Other names: c.677A>G, p.Asn226Ser (NM_001413913.1); c.653A>G, p.Asn218Ser (NM_001413914.1); c.416A>G, p.Asn139Ser (NM_001413915.1); c.680A>G, p.Asn227Ser (NM_001413916.1, NM_001413917.1); short protein forms N139S, N218S, N226S, N227S.
Identifiers: ClinVar variation 4870670 (VCV004870670.1).
Genomic context (GRCh38, chr12:11,869,640, plus strand): 5'-ACATGATCCGCCGCCTCTCCCCGGCTGAGAGAGCTCAGGGACCCAGGCCGCACCAGGAGA[A>G]CAACCACCAGGAGTCCTACCCTCTGTCAGTGTCTCCCATGGAGAATAATCACTGCCCAGC-3'
Protein context (NP_001978.1, residues 217-237): RAQGPRPHQE[Asn227Ser]NHQESYPLSV